The following is an entry in ClinVar:

NM_175607.3(CNTN4):c.1701A>C (p.Gln567His)

Gene: CNTN4 (contactin 4; plus strand). Cytogenetic location: 3p26.2.
Variant type: single nucleotide variant.
Coding change: c.1701A>C on transcript NM_175607.3 (MANE Select); coding-DNA position 1701, A replaced by C.
Protein change: p.Gln567His; replaces glutamine 567 with histidine.
Molecular consequence: missense variant.
Genome position (GRCh38, 1-based): chr3:3,030,893, A>C. VCF-style: chr3-3030893-A-C. GRCh37 (hg19) VCF-style: chr3-3072577-A-C.
Other names: c.1701A>C, p.Gln567His (NM_001206955.2, NM_001350095.2); c.714A>C, p.Gln238His (NM_001206956.2); c.717A>C, p.Gln239His (NM_175613.3); short protein forms Q239H, Q567H, Q238H.
Identifiers: ClinVar variation 754057 (VCV000754057.6), dbSNP rs181710158, ClinGen allele CA2227466.

ClinVar aggregate classification (germline): Benign. Review status: criteria provided, single submitter (1 of 4 stars). 2 submissions from 2 submitters: Benign (1). 1 of the submissions does not count toward it. Last evaluated 2019-12-31.

Conditions:
CNTN4-related disorder. Also called: CNTN4-related condition.

Allele frequency attached by ClinVar (database versions not stated): TOPMed 0.00071; 1000 Genomes Project 0.00180; 1000 Genomes Project 30x 0.00187; gnomAD 0.00019; ExAC 0.00049; gnomAD exomes 0.00060.
gnomAD v4.1: 307 of 1,614,068 alleles (0.019%); highest among the groups gnomAD compares: East Asian, 0.52%; no homozygotes.

Submissions (2):

Labcorp Genetics (formerly Invitae), Labcorp
Classification: Benign. Last evaluated: 2019-12-31. Review status: criteria provided, single submitter. Criteria: Invitae Variant Classification Sherloc (09022015). Collection method: clinical testing. Allele origin: germline.

PreventionGenetics, part of Exact Sciences
Classification: Likely benign for CNTN4-related condition. Last evaluated: 2019-04-25. Review status: no assertion criteria provided. Collection method: clinical testing. Allele origin: germline. Not counted in ClinVar's aggregate classification.
Comment: This variant is classified as likely benign based on ACMG/AMP sequence variant interpretation guidelines (Richards et al. 2015 PMID: 25741868, with internal and published modifications).